The following is an entry in ClinVar:

ClinVar aggregate classification (germline): Pathogenic/Likely pathogenic. Review status: criteria provided, multiple submitters, no conflicts (2 of 4 stars). 3 submissions from 3 submitters: Pathogenic (1); Likely pathogenic (1). 1 of the submissions does not count toward it. Last evaluated 2023-12-27.

Conditions:
MCCC1-related disorder. Also called: MCCC1-related condition.
3-methylcrotonyl-CoA carboxylase 1 deficiency (MCC1D). Also called: MCCD TYPE 1; METHYLCROTONYLGLYCINURIA TYPE I; MCC 1 deficiency; 3 Alpha methylcrotonylglycinuria 1. Identifiers: Orphanet 6, MedGen CN028786, MONDO:0008861, OMIM 210200.

Submissions (3):

Revvity Omics, Revvity
Classification: Likely pathogenic for 3-methylcrotonyl-CoA carboxylase 1 deficiency. Last evaluated: 2023-12-27. Review status: criteria provided, single submitter. Criteria: ACMG Guidelines, 2015. Collection method: clinical testing. Allele origin: germline.

Labcorp Genetics (formerly Invitae), Labcorp
Classification: Pathogenic for 3-methylcrotonyl-CoA carboxylase 1 deficiency. Last evaluated: 2020-02-26. Review status: criteria provided, single submitter. Criteria: Invitae Variant Classification Sherloc (09022015). Collection method: clinical testing. Allele origin: germline.
Comment: This sequence change creates a premature translational stop signal (p.Leu402*) in the MCCC1 gene. It is expected to result in an absent or disrupted protein product. This variant is not present in population databases (ExAC no frequency). This variant has not been reported in the literature in individuals with MCCC1-related conditions. Loss-of-function variants in MCCC1 are known to be pathogenic (PMID: 11181649, 15359379, 22642865). For these reasons, this variant has been classified as Pathogenic.

PreventionGenetics, part of Exact Sciences
Classification: Pathogenic for MCCC1-related condition. Last evaluated: 2024-03-06. Review status: no assertion criteria provided. Collection method: clinical testing. Allele origin: germline. Not counted in ClinVar's aggregate classification.
Comment: The MCCC1 c.1205T>G variant is predicted to result in premature protein termination (p.Leu402*). To our knowledge, this variant has not been reported in the literature or a large population database, indicating this variant is rare. This variant has not been reported in a large population database, indicating this variant is rare. Nonsense variants in MCCC1 are expected to be pathogenic. This variant is interpreted as pathogenic.

Literature cited by the submitters: PubMed 11181649 (cited by Labcorp Genetics (formerly Invitae), Labcorp); PubMed 15359379 (cited by Labcorp Genetics (formerly Invitae), Labcorp); PubMed 22642865 (cited by Labcorp Genetics (formerly Invitae), Labcorp).

NM_020166.5(MCCC1):c.1205T>G (p.Leu402Ter)

Gene: MCCC1 (methylcrotonyl-CoA carboxylase subunit 1; minus strand). Cytogenetic location: 3q27.1.
Variant type: single nucleotide variant.
Coding change: c.1205T>G on transcript NM_020166.5 (MANE Select); coding-DNA position 1205, T replaced by G.
Protein change: p.Leu402Ter; replaces leucine 402 with a stop codon.
Molecular consequence: nonsense. On other transcripts: non-coding transcript variant (2).
Genome position (GRCh38, 1-based): chr3:183,041,629, A>C on the plus strand (T>G on the coding strand, the complement: MCCC1 is on the minus strand). VCF-style: chr3-183041629-A-C. GRCh37 (hg19) VCF-style: chr3-182759417-A-C.
Other names: c.854T>G, p.Leu285Ter (NM_001293273.2); c.878T>G, p.Leu293Ter (NM_001363880.1); c.1205T>G (NM_020166.4); short protein forms L285*, L293*, L402*.
Identifiers: ClinVar variation 1074168 (VCV001074168.9), dbSNP rs2108479136, ClinGen allele CA355322602.